The following is an entry in ClinVar:

ClinVar aggregate classification (germline): Uncertain significance. Review status: criteria provided, multiple submitters, no conflicts (2 of 4 stars). 3 submissions from 3 submitters: Uncertain significance (3). Last evaluated 2026-05-28.

Conditions:
Cardiovascular phenotype. Identifiers: MedGen CN230736.

Allele frequency attached by ClinVar (database versions not stated): TOPMed below 0.00001; gnomAD 0.00001; gnomAD exomes 0.00001.
gnomAD v4.1: 6 of 1,605,982 alleles (0.00037%); highest among the groups gnomAD compares: Non-Finnish European, 0.00042%; no homozygotes.

Submissions (3):

Women's Health and Genetics/Laboratory Corporation of America, LabCorp
Classification: Uncertain significance. Last evaluated: 2026-05-28. Review status: criteria provided, single submitter. Criteria: LabCorp Variant Classification Summary - May 2015. Collection method: clinical testing. Allele origin: germline.
Comment: Variant summary: APOA1 c.569A>G (p.Tyr190Cys) results in a non-conservative amino acid change in the encoded protein sequence. Algorithms developed to predict the effect of missense changes on protein structure and function are either unavailable or do not agree on the potential impact of this missense change. The variant allele was found at a frequency of 4.2e-06 in 239664 control chromosomes. The available data on variant occurrences in the general population are insufficient to allow any conclusion about variant significance. To our knowledge, no occurrence of c.569A>G in individuals affected with APOA1-related conditions and no experimental evidence demonstrating its impact on protein function have been reported. ClinVar contains an entry for this variant (Variation ID: 1749121). Based on the evidence outlined above, the variant was classified as uncertain significance.

Ambry Genetics
Classification: Uncertain significance for Cardiovascular phenotype. Last evaluated: 2025-02-22. Review status: criteria provided, single submitter. Criteria: Ambry Variant Classification Scheme 2023. Collection method: clinical testing. Allele origin: germline.
Comment: The p.Y190C variant (also known as c.569A>G), located in coding exon 3 of the APOA1 gene, results from an A to G substitution at nucleotide position 569. The tyrosine at codon 190 is replaced by cysteine, an amino acid with highly dissimilar properties. This amino acid position is conserved. In addition, the in silico prediction for this alteration is inconclusive. Since supporting evidence is limited at this time, the clinical significance of this alteration remains unclear.

Blueprint Genetics
Classification: Uncertain significance. Last evaluated: 2023-05-25. Review status: criteria provided, single submitter. Criteria: ACMG Guidelines, 2015. Collection method: clinical testing. Allele origin: germline.

NM_000039.3(APOA1):c.569A>G (p.Tyr190Cys)

Gene: APOA1 (apolipoprotein A1; minus strand). Cytogenetic location: 11q23.3.
Variant type: single nucleotide variant.
Coding change: c.569A>G on transcript NM_000039.3 (MANE Select); coding-DNA position 569, A replaced by G.
Protein change: p.Tyr190Cys; replaces tyrosine 190 with cysteine.
Molecular consequence: missense variant.
Genome position (GRCh38, 1-based): chr11:116,836,043, T>C on the plus strand (A>G on the coding strand, the complement: APOA1 is on the minus strand). VCF-style: chr11-116836043-T-C. GRCh37 (hg19) VCF-style: chr11-116706759-T-C.
Other names: c.569A>G, p.Tyr190Cys (NM_001318017.2, NM_001318018.2); c.242A>G, p.Tyr81Cys (NM_001318021.2); short protein forms Y81C, Y190C.
Identifiers: ClinVar variation 1749121 (VCV001749121.5), dbSNP rs1162688133, ClinGen allele CA382715175.